The following is an entry in ClinVar:

ClinVar aggregate classification (germline): Likely pathogenic (1 of 4 stars; one submission).

Conditions:
Vitamin D-dependent rickets type II with alopecia (VDDR2A). Also called: GENERALIZED RESISTANCE TO 1,25-DIHYDROXYVITAMIN D; HYPOCALCEMIC VITAMIN D-RESISTANT RICKETS; PDDR IIA; PSEUDOVITAMIN D-DEFICIENCY, TYPE IIA; RICKETS, HEREDITARY VITAMIN D-RESISTANT; RICKETS-ALOPECIA SYNDROME. Identifiers: Orphanet 93160, MedGen C0342646, MONDO:0010186, OMIM 277440.

Allele frequency attached by ClinVar (database versions not stated): gnomAD exomes 0.00001; ExAC 0.00008.
gnomAD v4.1: 6 of 1,528,448 alleles (0.00039%); highest among the groups gnomAD compares: South Asian, 0.006%; no homozygotes.

Submission:

Laboratory of Cyto-molecular Genetics, Department of Anatomy, All India Institute of Medical Sciences (AIIMS), New Delhi
Classification: Likely pathogenic for Vitamin D-dependent rickets type II with alopecia. Last evaluated: 2022-03-07. Review status: criteria provided, single submitter. Criteria: ACMG Guidelines, 2015. Collection method: clinical testing. Allele origin: germline. Affected: yes. Observed: 2 variant alleles.
Comment: p.(Arg36Gly),missense variant

Literature cited by the submitters: PubMed 35738466.

NM_000376.3(VDR):c.-45A>G

Gene: VDR (vitamin D receptor; minus strand). Cytogenetic location: 12q13.11.
Variant type: single nucleotide variant.
Coding change: c.-45A>G on transcript NM_000376.3 (MANE Select); 45 bases upstream of the start codon, A replaced by G.
Molecular consequence: 5 prime UTR variant. On other transcripts: missense variant (1), intron variant (2).
Genome position (GRCh38, 1-based): chr12:47,882,736, T>C on the plus strand (A>G on the coding strand, the complement: VDR is on the minus strand). VCF-style: chr12-47882736-T-C. GRCh37 (hg19) VCF-style: chr12-48276519-T-C.
Other names: c.-45A>G (NM_001017535.2, NM_001364085.2); c.106A>G, p.Arg36Gly (NM_001017536.2); c.-2-3621A>G (NM_001374662.1, NM_001374661.1); short protein forms R36G.
Identifiers: ClinVar variation 1343093 (VCV001343093.3), dbSNP rs752414831, ClinGen allele CA6534134.
Genomic context (GRCh38, chr12:47,882,736, plus strand): 5'-TGATGAGGAAACACCTACCTGAAGGAGCAGGGGGCAGGTAAGTGGAGCCCAGGGGTGCTC[T>C]TCTGTGAGGTCTCACAGACACTTCAGACCCAAAGGCTTCTGAAATGAAGAAGGGGAAACC-3'